The following is an entry in ClinVar:

ClinVar aggregate classification (germline): Likely pathogenic (1 of 4 stars; one submission).

Conditions:
Congenital hyperammonemia, type I. Also called: Carbamoyl phosphate synthetase 1 deficiency; Hyperammonemia due to carbamoyl phosphate synthetase 1 deficiency; CPS 1 deficiency; Carbamyl phosphate synthetase (CPS) deficiency; CPS I DEFICIENCY; Carbamoyl-phosphate synthase I deficiency. Identifiers: Orphanet 147, MedGen C4082171, MONDO:0009376, OMIM 237300.

Submission:

Myriad Genetics, Inc.
Classification: Likely pathogenic for Congenital hyperammonemia, type I. Last evaluated: 2022-03-17. Review status: criteria provided, single submitter. Criteria: Myriad Women's Health Autosomal Recessive and X-Linked Classification Criteria (2021). Collection method: clinical testing. Allele origin: unknown.
Comment: NM_001875.4(CPS1):c.2877T>G(Y959*) is expected to be pathogenic in the context of carbamoylphosphate synthetase I deficiency. This variant is predicted to lead to an abnormal or absent protein product due to the creation of a premature termination codon in CPS1, a gene where loss-of-function variants are known to be pathogenic. Please note: this variant was assessed in the context of healthy population screening.

NM_001875.5(CPS1):c.2877T>G (p.Tyr959Ter)

Gene: CPS1 (carbamoyl-phosphate synthase 1; plus strand). Cytogenetic location: 2q34.
Variant type: single nucleotide variant.
Coding change: c.2877T>G on transcript NM_001875.5 (MANE Select); coding-DNA position 2877, T replaced by G.
Protein change: p.Tyr959Ter; replaces tyrosine 959 with a stop codon.
Molecular consequence: nonsense. On other transcripts: non-coding transcript variant (2).
Genome position (GRCh38, 1-based): chr2:210,639,197, T>G. VCF-style: chr2-210639197-T-G. GRCh37 (hg19) VCF-style: chr2-211503921-T-G.
Other names: c.2877T>G, p.Tyr959Ter (NM_001122633.3, NM_001369257.1); c.2910T>G, p.Tyr970Ter (NM_001369256.1); short protein forms Y959*, Y970*.
Identifiers: ClinVar variation 1725371 (VCV001725371.2), dbSNP rs2469263818, ClinGen allele CA350431940.
Genomic context (GRCh38, chr2:210,639,197, plus strand): 5'-TTTTCTCTTACAGATTGATACACTGGCTGCAGAATACCCATCAGTAACAAACTATCTCTA[T>G]GTTACCTACAATGGTCAGGTAGGAATGGGCAAATTGGCCTATCCAGAAAGCTCTAGATTT-3'